The following is an entry in ClinVar:

ClinVar aggregate classification (germline): Pathogenic (1 of 4 stars; one submission).

Conditions:
Congenital muscular hypertrophy-cerebral syndrome (CDLS2). Also called: SMC1A-Related Cornelia de Lange Syndrome; Cornelia de Lange syndrome 2. Identifiers: Orphanet 199, MedGen C1802395, MONDO:0010370, OMIM 300590.

Submission:

Labcorp Genetics (formerly Invitae), Labcorp
Classification: Pathogenic for Congenital muscular hypertrophy-cerebral syndrome. Last evaluated: 2025-07-07. Review status: criteria provided, single submitter. Criteria: Invitae Variant Classification Sherloc (09022015). Collection method: clinical testing. Allele origin: germline.
Comment: This sequence change replaces proline, which is neutral and non-polar, with leucine, which is neutral and non-polar, at codon 525 of the SMC1A protein (p.Pro525Leu). This variant is not present in population databases (gnomAD no frequency). This missense change has been observed in individual(s) with clinical features of developmental and epileptic encephalopathy (internal data). In at least one individual the variant was observed to be de novo. Invitae Evidence Modeling of protein sequence and biophysical properties (such as structural, functional, and spatial information, amino acid conservation, physicochemical variation, residue mobility, and thermodynamic stability) indicates that this missense variant is expected to disrupt SMC1A protein function with a positive predictive value of 80%. For these reasons, this variant has been classified as Pathogenic.

NM_006306.4(SMC1A):c.1574C>T (p.Pro525Leu)

Gene: SMC1A (structural maintenance of chromosomes 1A; minus strand). Cytogenetic location: Xp11.22.
Variant type: single nucleotide variant.
Coding change: c.1574C>T on transcript NM_006306.4 (MANE Select); coding-DNA position 1574, C replaced by T.
Protein change: p.Pro525Leu; replaces proline 525 with leucine.
Molecular consequence: missense variant.
Genome position (GRCh38, 1-based): chrX:53,405,928, G>A on the plus strand (C>T on the coding strand, the complement: SMC1A is on the minus strand). VCF-style: chrX-53405928-G-A. GRCh37 (hg19) VCF-style: chrX-53432860-G-A.
Other names: c.1508C>T, p.Pro503Leu (NM_001281463.1); short protein forms P503L, P525L.
Identifiers: ClinVar variation 4746378 (VCV004746378.1).